The following is an entry in ClinVar:

NM_000517.6(HBA2):c.96-34_117del

Genes: HBA2 (hemoglobin subunit alpha 2; plus strand), LOC106804612 (hemoglobin subunit alpha 2 recombination region; plus strand). Cytogenetic location: 16p13.3.
Variant type: Deletion.
Coding change: c.96-34_117del on transcript NM_000517.6 (MANE Select); 34 bases into the intron before coding-DNA position 96 through coding-DNA position 117, 56 bases deleted.
Molecular consequence: splice acceptor variant.
Genome position (GRCh38, 1-based): chr16:173,091-173,146, 56 bases deleted. GRCh37 (hg19): chr16:223,090-223,145.
Identifiers: ClinVar variation 4818687 (VCV004818687.1).

ClinVar aggregate classification (germline): Pathogenic (1 of 4 stars; one submission).

Conditions:
alpha Thalassemia. Also called: Alpha thalassemia spectrum. Identifiers: Orphanet 846, MedGen C0002312, MONDO:0011399, OMIM 604131.

Submission:

Natera, Inc.
Classification: Pathogenic for Alpha thalassemia. Last evaluated: 2025-11-10. Review status: criteria provided, single submitter. Criteria: Natera Variant Classification Schema (03/2026). Collection method: clinical testing. Allele origin: germline.
Comment: The c.96-34_117del variant in HBA2 is a frameshift variant predicted to shift the reading frame and introduce a stop codon. This variant is expected to result in nonsense mediated decay, truncation, or a dysfunctional protein product. This variant is rare in the general population with a frequency below the threshold expected for the associated phenotype(s). Another variant at this same site results in an alteration predicted to cause a similar molecular effect has been observed in individual(s) with the associated phenotype. Given the available evidence, this variant is classified as Pathogenic.